The following is an entry in ClinVar:

ClinVar aggregate classification (germline): Uncertain significance. Review status: criteria provided, multiple submitters, no conflicts (2 of 4 stars). 2 submissions from 2 submitters: Uncertain significance (2). Last evaluated 2024-12-23.

Allele frequency attached by ClinVar (database versions not stated): gnomAD 0.00001; gnomAD exomes 0.00002; TOPMed 0.00002.

Submissions (2):

Ambry Genetics
Classification: Uncertain significance. Last evaluated: 2024-12-23. Review status: criteria provided, single submitter. Criteria: Ambry Variant Classification Scheme 2023. Collection method: clinical testing. Allele origin: germline.

Labcorp Genetics (formerly Invitae), Labcorp
Classification: Uncertain significance. Last evaluated: 2023-07-12. Review status: criteria provided, single submitter. Criteria: Invitae Variant Classification Sherloc (09022015). Collection method: clinical testing. Allele origin: germline.
Comment: In summary, the available evidence is currently insufficient to determine the role of this variant in disease. Therefore, it has been classified as a Variant of Uncertain Significance. Advanced modeling of protein sequence and biophysical properties (such as structural, functional, and spatial information, amino acid conservation, physicochemical variation, residue mobility, and thermodynamic stability) performed at Invitae indicates that this missense variant is not expected to disrupt COL4A6 protein function. This variant has not been reported in the literature in individuals affected with COL4A6-related conditions. The frequency data for this variant in the population databases is considered unreliable, as metrics indicate poor data quality at this position in the gnomAD database. This sequence change replaces alanine, which is neutral and non-polar, with serine, which is neutral and polar, at codon 399 of the COL4A6 protein (p.Ala399Ser).

NM_033641.4(COL4A6):c.1192G>T (p.Ala398Ser)

Gene: COL4A6 (collagen type IV alpha 6 chain; minus strand). Cytogenetic location: Xq22.3.
Variant type: single nucleotide variant.
Coding change: c.1192G>T on transcript NM_033641.4 (MANE Select); coding-DNA position 1192, G replaced by T.
Protein change: p.Ala398Ser; replaces alanine 398 with serine.
Molecular consequence: missense variant.
Genome position (GRCh38, 1-based): chrX:108,191,522, C>A on the plus strand (G>T on the coding strand, the complement: COL4A6 is on the minus strand). VCF-style: chrX-108191522-C-A. GRCh37 (hg19) VCF-style: chrX-107434752-C-A.
Other names: c.1192G>T, p.Ala398Ser (NM_001287758.2, NM_001287759.2, NM_001287760.2); c.1195G>T, p.Ala399Ser (NM_001847.4); c.1195G>T (NM_001847.2); short protein forms A398S, A399S.
Identifiers: ClinVar variation 2712591 (VCV002712591.4), dbSNP rs1284513302, ClinGen allele CA413861474.